The following is an entry in ClinVar:

ClinVar aggregate classification (germline): Uncertain significance (1 of 4 stars; one submission).

Conditions:
Hereditary cancer-predisposing syndrome. Also called: Neoplastic Syndromes, Hereditary; Tumor predisposition; Hereditary Cancer Syndrome; Hereditary neoplastic syndrome. Identifiers: Orphanet 140162, MedGen C0027672, MeSH D009386, MONDO:0015356.

gnomAD v4.1: 1 of 1,614,206 alleles (0.000062%); highest among the groups gnomAD compares: East Asian, 0.0022%; no homozygotes.

Submission:

Ambry Genetics
Classification: Uncertain significance for Hereditary cancer-predisposing syndrome. Last evaluated: 2020-01-29. Review status: criteria provided, single submitter. Criteria: Ambry Variant Classification Scheme 2023. Collection method: clinical testing. Allele origin: germline.
Comment: The p.K277N variant (also known as c.831G>C), located in coding exon 2 of the HOXB13 gene, results from a G to C substitution at nucleotide position 831. The lysine at codon 277 is replaced by asparagine, an amino acid with similar properties. This amino acid position is highly conserved in available vertebrate species. In addition, the in silico prediction for this alteration is inconclusive. Since supporting evidence is limited at this time, the clinical significance of this alteration remains unclear.

NM_006361.6(HOXB13):c.831G>C (p.Lys277Asn)

Gene: HOXB13 (homeobox B13; minus strand). Cytogenetic location: 17q21.32.
Variant type: single nucleotide variant.
Coding change: c.831G>C on transcript NM_006361.6 (MANE Select); coding-DNA position 831, G replaced by C.
Protein change: p.Lys277Asn; replaces lysine 277 with asparagine.
Molecular consequence: missense variant.
Genome position (GRCh38, 1-based): chr17:48,726,814, C>G on the plus strand (G>C on the coding strand, the complement: HOXB13 is on the minus strand). VCF-style: chr17-48726814-C-G. GRCh37 (hg19) VCF-style: chr17-46804176-C-G.
Other names: short protein forms K277N.
Identifiers: ClinVar variation 1762920 (VCV001762920.2), dbSNP rs2143065206, ClinGen allele CA400105317.
Genomic context (GRCh38, chr17:48,726,814, plus strand): 5'-CCACTTTCGCTCCTCCCACCCAGGCAAGGAGATCTCTTAAGGGGTAGCGCTGTTCTTCAC[C>G]TTGGCGAGAACCTTCTTCTCTTTGACCCGGCGGTTCTGAAACCAGATGGTAATCTGGCGC-3'
Protein context (NP_006352.2, residues 267-284): RRVKEKKVLA[Lys277Asn]VKNSATP